The following is an entry in ClinVar:

NM_003442.6(ZNF143):c.1044T>A (p.Val348=)

Gene: ZNF143 (zinc finger protein 143; plus strand). Cytogenetic location: 11p15.4.
Variant type: single nucleotide variant.
Coding change: c.1044T>A on transcript NM_003442.6 (MANE Select); coding-DNA position 1044, T replaced by A.
Protein change: p.Val348=; no amino-acid change (valine 348 retained).
Molecular consequence: synonymous variant.
Genome position (GRCh38, 1-based): chr11:9,501,167, T>A. VCF-style: chr11-9501167-T-A. GRCh37 (hg19) VCF-style: chr11-9522714-T-A.
Other names: c.1041T>A, p.Val347= (NM_001282656.2); c.951T>A, p.Val317= (NM_001282657.2).
Identifiers: ClinVar variation 2034840 (VCV002034840.4), dbSNP rs760779294, ClinGen allele CA5879549.

ClinVar aggregate classification (germline): Uncertain significance (1 of 4 stars; one submission).

Allele frequency attached by ClinVar (database versions not stated): ExAC 0.00002.
gnomAD v4.1: 2 of 1,614,162 alleles (0.00012%); highest among the groups gnomAD compares: South Asian, 0.0022%; no homozygotes.

Submission:

Labcorp Genetics (formerly Invitae), Labcorp
Classification: Uncertain significance. Last evaluated: 2022-10-08. Review status: criteria provided, single submitter. Criteria: Invitae Variant Classification Sherloc (09022015). Collection method: clinical testing. Allele origin: germline.
Comment: This sequence change affects codon 348 of the ZNF143 mRNA. It is a 'silent' change, meaning that it does not change the encoded amino acid sequence of the ZNF143 protein. This variant is present in population databases (rs760779294, gnomAD 0.006%). This variant has not been reported in the literature in individuals affected with ZNF143-related conditions. Algorithms developed to predict the effect of sequence changes on RNA splicing suggest that this variant may create or strengthen a splice site. In summary, the available evidence is currently insufficient to determine the role of this variant in disease. Therefore, it has been classified as a Variant of Uncertain Significance.